The following is an entry in ClinVar:

NM_001048174.2(MUTYH):c.571A>T (p.Thr191Ser)

Gene: MUTYH (mutY DNA glycosylase; minus strand). Cytogenetic location: 1p34.1.
Variant type: single nucleotide variant.
Coding change: c.571A>T on transcript NM_001048174.2 (MANE Select); coding-DNA position 571, A replaced by T.
Protein change: p.Thr191Ser; replaces threonine 191 with serine.
Molecular consequence: missense variant. On other transcripts: non-coding transcript variant (2).
Genome position (GRCh38, 1-based): chr1:45,332,609, T>A on the plus strand (A>T on the coding strand, the complement: MUTYH is on the minus strand). VCF-style: chr1-45332609-T-A. GRCh37 (hg19) VCF-style: chr1-45798281-T-A.
Other names: c.571A>T, p.Thr191Ser (NM_001048171.2, NM_001048173.2, NM_001293195.2); c.574A>T, p.Thr192Ser (NM_001048172.2); c.655A>T, p.Thr219Ser (NM_001128425.2); c.616A>T, p.Thr206Ser (NM_001293190.2); c.604A>T, p.Thr202Ser (NM_001293191.2); c.295A>T, p.Thr99Ser (NM_001293192.2, NM_001293196.2); c.226A>T, p.Thr76Ser (NM_001350650.2, NM_001350651.2); c.646A>T, p.Thr216Ser (NM_012222.3); short protein forms T191S, T202S, T216S, T219S, T76S, T192S, T206S, T99S.
Identifiers: ClinVar variation 657326 (VCV000657326.11), dbSNP rs771064557, ClinGen allele CA058520.
Genomic context (GRCh38, chr1:45,332,609, plus strand): 5'-AAGTGGGGGTGGGCTGTGAGATCACCTGGCCAAAGGCGATAGAGGCAATGGCCCCAGCTG[T>A]GTAGCGCCCCACGCCAGGCAGGAGCTGCTGCAGGGTCTCTGCTGTACGTGGCATGTGGCC-3'
Protein context (NP_001041639.1, residues 181-201): QQLLPGVGRY[Thr191Ser]AGAIASIAFG

ClinVar aggregate classification (germline): Uncertain significance. Review status: criteria provided, multiple submitters, no conflicts (2 of 4 stars). 3 submissions from 3 submitters: Uncertain significance (3). Last evaluated 2025-06-25.

Conditions:
Hereditary cancer-predisposing syndrome. Also called: Tumor predisposition; Neoplastic Syndromes, Hereditary; Hereditary Cancer Syndrome; Hereditary neoplastic syndrome. Identifiers: Orphanet 140162, MedGen C0027672, MeSH D009386, MONDO:0015356.
Familial adenomatous polyposis 2. Also called: COLORECTAL ADENOMATOUS POLYPOSIS, AUTOSOMAL RECESSIVE; ADENOMAS, MULTIPLE COLORECTAL, AUTOSOMAL RECESSIVE; MYH-associated polyposis; MUTYH Polyposis; Adenomas, multiple colorectal; MUTYH-associated polyposis. Identifiers: Orphanet 220460, Orphanet 247798, MedGen C3272841, MONDO:0012041, OMIM 608456.

Allele frequency attached by ClinVar (database versions not stated): gnomAD exomes below 0.00001; TOPMed below 0.00001; ExAC 0.00001.
gnomAD v4.1: 1 of 1,614,136 alleles (0.000062%); highest among the groups gnomAD compares: Non-Finnish European, 0.000085%; no homozygotes.

Submissions (3):

Ambry Genetics
Classification: Uncertain significance for Hereditary cancer-predisposing syndrome. Last evaluated: 2025-06-25. Review status: criteria provided, single submitter. Criteria: Ambry Variant Classification Scheme 2023. Collection method: clinical testing. Allele origin: germline.
Comment: The p.T219S variant (also known as c.655A>T), located in coding exon 8 of the MUTYH gene, results from an A to T substitution at nucleotide position 655. The threonine at codon 219 is replaced by serine, an amino acid with similar properties. This amino acid position is highly conserved in available vertebrate species. In addition, this alteration is predicted to be deleterious by in silico analysis. Based on the available evidence, the clinical significance of this variant remains unclear.

Labcorp Genetics (formerly Invitae), Labcorp
Classification: Uncertain significance for Familial adenomatous polyposis 2. Last evaluated: 2022-08-10. Review status: criteria provided, single submitter. Criteria: Invitae Variant Classification Sherloc (09022015). Collection method: clinical testing. Allele origin: germline.
Comment: Algorithms developed to predict the effect of missense changes on protein structure and function (SIFT, PolyPhen-2, Align-GVGD) all suggest that this variant is likely to be disruptive. In summary, the available evidence is currently insufficient to determine the role of this variant in disease. Therefore, it has been classified as a Variant of Uncertain Significance. ClinVar contains an entry for this variant (Variation ID: 657326). This variant has not been reported in the literature in individuals affected with MUTYH-related conditions. This variant is present in population databases (rs771064557, gnomAD 0.0009%). This sequence change replaces threonine, which is neutral and polar, with serine, which is neutral and polar, at codon 219 of the MUTYH protein (p.Thr219Ser).

GeneDx
Classification: Uncertain significance. Last evaluated: 2018-05-10. Review status: criteria provided, single submitter. Criteria: GeneDx Variant Classification Process June 2021. Collection method: clinical testing. Allele origin: germline. Affected: yes.
Comment: Not observed at a significant frequency in large population cohorts (Lek 2016); In silico analysis supports that this missense variant has a deleterious effect on protein structure/function; Has not been previously published as pathogenic or benign to our knowledge